The following is an entry in ClinVar:

ClinVar aggregate classification (germline): Conflicting classifications of pathogenicity. Review status: criteria provided, conflicting classifications (1 of 4 stars). 4 submissions from 4 submitters: Uncertain significance (1); Benign (1); Likely benign (1). 1 of the submissions does not count toward it. Last evaluated 2026-01-28.

Conditions:
SP110-related disorder. Also called: SP110-related condition.
Hepatic veno-occlusive disease-immunodeficiency syndrome. Also called: Hepatic Veno-Occlusive Disease with Immunodeficiency. Identifiers: Orphanet 79124, MedGen C1856128, MONDO:0009338, OMIM 235550. Disease mechanism: loss of function.
Mycobacterium tuberculosis, susceptibility to. Identifiers: MedGen C1834752, OMIM 607948.

Allele frequency attached by ClinVar (database versions not stated): gnomAD exomes 0.00032 and 0.00097; ExAC 0.00111; ESP Exome Variant Server 0.00185; gnomAD 0.00216 and 0.00224; TOPMed 0.00258; 1000 Genomes Project 0.00339; 1000 Genomes Project 30x 0.00344.
gnomAD v4.1: 819 of 1,613,996 alleles (0.051%); highest among the groups gnomAD compares: African/African-American, 0.67%; 3 homozygotes.

Submissions (4):

Labcorp Genetics (formerly Invitae), Labcorp
Classification: Benign for Hepatic veno-occlusive disease-immunodeficiency syndrome. Last evaluated: 2026-01-28. Review status: criteria provided, single submitter. Criteria: Invitae Variant Classification Sherloc (09022015). Collection method: clinical testing. Allele origin: germline.

Blueprint Genetics
Classification: Likely benign. Last evaluated: 2024-08-06. Review status: criteria provided, single submitter. Criteria: ACMG Guidelines, 2015. Collection method: clinical testing. Allele origin: germline.

Center for Genomics, Ann and Robert H. Lurie Children's Hospital of Chicago
Classification: Uncertain significance for Mycobacterium tuberculosis, susceptibility to; Hepatic veno-occlusive disease-immunodeficiency syndrome. Review status: criteria provided, single submitter. Criteria: ACMG Guidelines, 2015. Collection method: clinical testing. Allele origin: germline.
Comment: SP110 NM_004509.3 exon 4 c.583+8A>G: This variant has not been reported in the literature but is present in 0.7% (175/24942) of African alleles in the Genome Aggregation Database, as well as in one homozygote in the East Asian population. This variant is present in ClinVar (Variation ID:466296). Evolutionary conservation and computational predictive tools for this variant are limited or unavailable. Although this variant occurs in the splice region, computational prediction tools do not suggest that it alters splicing. However, further studies are needed to understand its impact. In summary, data on this variant is insufficient for disease classification. Therefore, the clinical significance of this variant is uncertain

PreventionGenetics, part of Exact Sciences
Classification: Benign for SP110-related condition. Last evaluated: 2019-08-09. Review status: no assertion criteria provided. Collection method: clinical testing. Allele origin: germline. Not counted in ClinVar's aggregate classification.
Comment: This variant is classified as benign based on ACMG/AMP sequence variant interpretation guidelines (Richards et al. 2015 PMID: 25741868, with internal and published modifications).

NM_080424.4(SP110):c.583+8A>G

Genes: SP110 (SP110 nuclear body protein; minus strand), SP140 (SP140 nuclear body protein; plus strand). Cytogenetic location: 2q37.1.
Variant type: single nucleotide variant.
Coding change: c.583+8A>G on transcript NM_080424.4 (MANE Select); 8 bases into the intron after coding-DNA position 583, A replaced by G.
Molecular consequence: intron variant.
Genome position (GRCh38, 1-based): chr2:230,212,753, T>C on the plus strand (A>G on the coding strand, the complement: SP110 is on the minus strand). VCF-style: chr2-230212753-T-C. GRCh37 (hg19) VCF-style: chr2-231077468-T-C.
Other names: c.601+8A>G (NM_001378446.1, NM_001378445.1, NM_001378442.1 and 2 more transcripts); c.583+8A>G (NM_004509.5, NM_001378443.1, NM_001378447.1 and 1 more transcripts).
Identifiers: ClinVar variation 466296 (VCV000466296.16), dbSNP rs114743173, ClinGen allele CA2154801.